The following is an entry in ClinVar:

ClinVar aggregate classification (germline): Uncertain significance (1 of 4 stars; one submission).

Allele frequency attached by ClinVar (database versions not stated): gnomAD 0.00002; TOPMed 0.00002; gnomAD exomes 0.00005; ExAC 0.00006.
gnomAD v4.1: 72 of 1,613,212 alleles (0.0045%); highest among the groups gnomAD compares: Non-Finnish European, 0.0055%; no homozygotes.

Submission:

Labcorp Genetics (formerly Invitae), Labcorp
Classification: Uncertain significance. Last evaluated: 2024-11-22. Review status: criteria provided, single submitter. Criteria: Invitae Variant Classification Sherloc (09022015). Collection method: clinical testing. Allele origin: germline.
Comment: This sequence change replaces threonine, which is neutral and polar, with alanine, which is neutral and non-polar, at codon 256 of the AXL protein (p.Thr256Ala). This variant is present in population databases (rs749047403, gnomAD 0.008%). This variant has not been reported in the literature in individuals affected with AXL-related conditions. ClinVar contains an entry for this variant (Variation ID: 2185819). Invitae Evidence Modeling of protein sequence and biophysical properties (such as structural, functional, and spatial information, amino acid conservation, physicochemical variation, residue mobility, and thermodynamic stability) indicates that this missense variant is not expected to disrupt AXL protein function with a negative predictive value of 80%. In summary, the available evidence is currently insufficient to determine the role of this variant in disease. Therefore, it has been classified as a Variant of Uncertain Significance.

NM_021913.5(AXL):c.766A>G (p.Thr256Ala)

Gene: AXL (AXL receptor tyrosine kinase; plus strand). Cytogenetic location: 19q13.2.
Variant type: single nucleotide variant.
Coding change: c.766A>G on transcript NM_021913.5 (MANE Select); coding-DNA position 766, A replaced by G.
Protein change: p.Thr256Ala; replaces threonine 256 with alanine.
Molecular consequence: missense variant. On other transcripts: 5 prime UTR variant (1).
Genome position (GRCh38, 1-based): chr19:41,231,281, A>G. VCF-style: chr19-41231281-A-G. GRCh37 (hg19) VCF-style: chr19-41737186-A-G.
Other names: c.-39A>G (NM_001278599.2); c.766A>G, p.Thr256Ala (NM_001699.6); short protein forms T256A.
Identifiers: ClinVar variation 2185819 (VCV002185819.4), dbSNP rs749047403, ClinGen allele CA9458049.